The following is an entry in ClinVar:

NM_001754.5(RUNX1):c.264G>T (p.Glu88Asp)

Gene: RUNX1 (RUNX family transcription factor 1; minus strand). Cytogenetic location: 21q22.12.
Variant type: single nucleotide variant.
Coding change: c.264G>T on transcript NM_001754.5 (MANE Select); coding-DNA position 264, G replaced by T.
Protein change: p.Glu88Asp; replaces glutamic acid 88 with aspartic acid.
Molecular consequence: missense variant.
Genome position (GRCh38, 1-based): chr21:34,886,930, C>A on the plus strand (G>T on the coding strand, the complement: RUNX1 is on the minus strand). VCF-style: chr21-34886930-C-A. GRCh37 (hg19) VCF-style: chr21-36259227-C-A.
Other names: NM_001754.5(RUNX1):c.264G>T; p.Glu88Asp; c.183G>T, p.Glu61Asp (NM_001001890.3, NM_001122607.2); short protein forms E61D, E88D.
Identifiers: ClinVar variation 639328 (VCV000639328.7), dbSNP rs542902574, ClinGen allele CA410203759.

ClinVar aggregate classification (germline): Uncertain significance. Review status: reviewed by expert panel (3 of 4 stars). 3 submissions from 3 submitters: Uncertain significance (1). 2 of the submissions do not count toward it. Last evaluated 2024-09-18.

Conditions:
Hereditary thrombocytopenia and hematological cancer predisposition syndrome associated with RUNX1. Also called: Familial Platelet Disorder with Propensity to Acute Myelogenous Leukemia; Familial thrombocytopenia with propensity to acute myelogenous leukemia; RUNX1 Familial Platelet Disorder with Associated Myeloid Malignancies; PLATELET DISORDER, ASPIRIN-LIKE. Identifiers: Orphanet 71290, MedGen C1832388, MeSH C563324, MONDO:0100083, OMIM 601399.
Inborn genetic diseases. Identifiers: MedGen C0950123, MeSH D030342.
Hereditary thrombocytopenia and hematologic cancer predisposition syndrome. Identifiers: Orphanet 71290, MedGen CN281654, MONDO:0011071.

Submissions (3):

ClinGen Myeloid Malignancy Variant Curation Expert Panel
Classification: Uncertain significance for Hereditary thrombocytopenia and hematologic cancer predisposition syndrome. Last evaluated: 2024-09-18. Review status: reviewed by expert panel. Criteria: ClinGen MyeloMalig ACMG Specifications v2. Collection method: curation. Allele origin: germline. Inheritance: Autosomal dominant inheritance.
Comment: NM_001754.5(RUNX1):c.264G>T (p.Glu88Asp) is a missense variant which does not meet any ACMG/AMP codes. In summary, the clinical significance of this variant is uncertain. ACMG/AMP criteria applied, as specified by the Myeloid Malignancy Variant Curation Expert Panel for RUNX1: None.

Ambry Genetics
Classification: Uncertain significance for Inborn genetic diseases. Last evaluated: 2026-01-24. Review status: criteria provided, single submitter. Criteria: Ambry Variant Classification Scheme 2023. Collection method: clinical testing. Allele origin: germline. Not counted in ClinVar's aggregate classification.
Comment: The p.E88D variant (also known as c.264G>T), located in coding exon 3 of the RUNX1 gene, results from a G to T substitution at nucleotide position 264. The glutamic acid at codon 88 is replaced by aspartic acid, an amino acid with highly similar properties. This amino acid position is conserved. In addition, this alteration is predicted to be deleterious by in silico analysis. Based on the available evidence, the clinical significance of this variant remains unclear.

Labcorp Genetics (formerly Invitae), Labcorp
Classification: Uncertain significance for Hereditary thrombocytopenia and hematological cancer predisposition syndrome associated with RUNX1. Last evaluated: 2022-08-18. Review status: criteria provided, single submitter. Criteria: Invitae Variant Classification Sherloc (09022015). Collection method: clinical testing. Allele origin: germline. Not counted in ClinVar's aggregate classification.
Comment: This sequence change replaces glutamic acid, which is acidic and polar, with aspartic acid, which is acidic and polar, at codon 88 of the RUNX1 protein (p.Glu88Asp). This variant is not present in population databases (gnomAD no frequency). This variant has not been reported in the literature in individuals affected with RUNX1-related conditions. ClinVar contains an entry for this variant (Variation ID: 639328). Algorithms developed to predict the effect of missense changes on protein structure and function are either unavailable or do not agree on the potential impact of this missense change (SIFT: "Tolerated"; PolyPhen-2: "Probably Damaging"; Align-GVGD: "Class C0"). In summary, the available evidence is currently insufficient to determine the role of this variant in disease. Therefore, it has been classified as a Variant of Uncertain Significance.